The following is an entry in ClinVar:

NM_000179.3(MSH6):c.1912_1914del (p.Leu638del)

Gene: MSH6 (mutS homolog 6; plus strand). Cytogenetic location: 2p16.3.
Variant type: Deletion.
Coding change: c.1912_1914del on transcript NM_000179.3 (MANE Select); coding-DNA positions 1912 to 1914, 3 bases deleted (CTT; older notation c.1912_1914delCTT).
Protein change: p.Leu638del; deletes leucine 638.
Molecular consequence: inframe deletion.
Genome position (GRCh38, 1-based): chr2:47,799,895-47,799,897, CTT deleted. VCF-style (leftmost placement, unchanged base first): chr2-47799894-CCTT-C. GRCh37 (hg19) VCF-style: chr2-48027033-CCTT-C.
Other names: c.1522_1524del, p.Leu508del (NM_001281492.2); c.1006_1008del, p.Leu336del (NM_001281493.2, NM_001281494.2); c.1912_1914delCTT (NM_000179.2); short protein forms L638del, L336del, L508del.
Identifiers: ClinVar variation 410400 (VCV000410400.11), dbSNP rs1060502877, ClinGen allele CA16611140.

ClinVar aggregate classification (germline): Uncertain significance. Review status: criteria provided, multiple submitters, no conflicts (2 of 4 stars). 2 submissions from 2 submitters: Uncertain significance (2). Last evaluated 2025-11-17.

Conditions:
Hereditary nonpolyposis colorectal neoplasms. Identifiers: MedGen C0009405, MeSH D003123.
Lynch syndrome. Identifiers: Orphanet 144, MedGen C4552100, MONDO:0005835. Disease mechanism: loss of function.

Submissions (2):

Labcorp Genetics (formerly Invitae), Labcorp
Classification: Uncertain significance for Hereditary nonpolyposis colorectal neoplasms. Last evaluated: 2025-11-17. Review status: criteria provided, single submitter. Criteria: Invitae Variant Classification Sherloc (09022015). Collection method: clinical testing. Allele origin: germline.
Comment: This variant, c.1912_1914del, results in the deletion of 1 amino acid(s) of the MSH6 protein (p.Leu638del), but otherwise preserves the integrity of the reading frame. This variant is not present in population databases (gnomAD no frequency). This variant has been observed in individual(s) with breast cancer (PMID: 35449176). ClinVar contains an entry for this variant (Variation ID: 410400). Experimental studies and prediction algorithms are not available or were not evaluated, and the functional significance of this variant is currently unknown. In summary, the available evidence is currently insufficient to determine the role of this variant in disease. Therefore, it has been classified as a Variant of Uncertain Significance.

All of Us Research Program, National Institutes of Health
Classification: Uncertain significance for Lynch syndrome. Last evaluated: 2023-04-03. Review status: criteria provided, single submitter. Criteria: ACMG Guidelines, 2015. Collection method: clinical testing. Allele origin: germline. Inheritance: Autosomal dominant inheritance. Observed: 1 variant allele, 1 heterozygote.
Comment: This variant causes the in-frame deletion of one amino acid of the MSH6 protein. To our knowledge, functional studies have not been reported for this variant. This variant has not been reported in individuals affected with MSH6-related disorders in the literature. This variant has not been identified in the general population by the Genome Aggregation Database (gnomAD). The available evidence is insufficient to determine the role of this variant in disease conclusively. Therefore, this variant is classified as a Variant of Uncertain Significance.

This study involves interpretation of variants in research participants for the purpose of population health screening. Participant phenotype was not available at the time of variant classification. Additional details can be found in publication PMID: 35346344, PMCID: PMC8962531

Literature cited by the submitters: PubMed 35449176 (cited by Labcorp Genetics (formerly Invitae), Labcorp).